The following is an entry in ClinVar:

ClinVar aggregate classification (germline): Uncertain significance (1 of 4 stars; one submission).

Allele frequency attached by ClinVar (database versions not stated): gnomAD exomes below 0.00001; gnomAD 0.00001.
gnomAD v4.1: 3 of 1,583,290 alleles (0.00019%); highest among the groups gnomAD compares: Middle Eastern, 0.017%; no homozygotes.

Submission:

Labcorp Genetics (formerly Invitae), Labcorp
Classification: Uncertain significance. Last evaluated: 2022-04-21. Review status: criteria provided, single submitter. Criteria: Invitae Variant Classification Sherloc (09022015). Collection method: clinical testing. Allele origin: germline.
Comment: This variant has not been reported in the literature in individuals affected with CEP78-related conditions. In summary, the available evidence is currently insufficient to determine the role of this variant in disease. Therefore, it has been classified as a Variant of Uncertain Significance. Algorithms developed to predict the effect of sequence changes on RNA splicing suggest that this variant may disrupt the consensus splice site. Algorithms developed to predict the effect of missense changes on protein structure and function are either unavailable or do not agree on the potential impact of this missense change (SIFT: "Tolerated"; PolyPhen-2: "Probably Damaging"; Align-GVGD: "Class C0"). This variant is not present in population databases (gnomAD no frequency). This sequence change replaces aspartic acid, which is acidic and polar, with glutamic acid, which is acidic and polar, at codon 162 of the CEP78 protein (p.Asp162Glu).

NM_001330691.3(CEP78):c.486T>G (p.Asp162Glu)

Gene: CEP78 (centrosomal protein 78; plus strand). Cytogenetic location: 9q21.2.
Variant type: single nucleotide variant.
Coding change: c.486T>G on transcript NM_001330691.3 (MANE Select); coding-DNA position 486, T replaced by G.
Protein change: p.Asp162Glu; replaces aspartic acid 162 with glutamic acid.
Molecular consequence: missense variant.
Genome position (GRCh38, 1-based): chr9:78,240,351, T>G. VCF-style: chr9-78240351-T-G. GRCh37 (hg19) VCF-style: chr9-80855267-T-G.
Other names: c.486T>G, p.Asp162Glu (NM_001098802.3, NM_001330693.3, NM_001330694.2 and 4 more transcripts); short protein forms D162E.
Identifiers: ClinVar variation 1978531 (VCV001978531.4), dbSNP rs987310914, ClinGen allele CA194769453.